The following is an entry in ClinVar:

NM_152490.5(B3GALNT2):c.178G>C (p.Ala60Pro)

Gene: B3GALNT2 (beta-1,3-N-acetylgalactosaminyltransferase 2; minus strand). Cytogenetic location: 1q42.3.
Variant type: single nucleotide variant.
Coding change: c.178G>C on transcript NM_152490.5 (MANE Select); coding-DNA position 178, G replaced by C.
Protein change: p.Ala60Pro; replaces alanine 60 with proline.
Molecular consequence: missense variant.
Genome position (GRCh38, 1-based): chr1:235,494,763, C>G on the plus strand (G>C on the coding strand, the complement: B3GALNT2 is on the minus strand). VCF-style: chr1-235494763-C-G. GRCh37 (hg19) VCF-style: chr1-235658073-C-G.
Other names: c.301G>C, p.Ala101Pro (NM_001277155.3); short protein forms A101P, A60P.
Identifiers: ClinVar variation 3024211 (VCV003024211.1), dbSNP rs1685236608, ClinGen allele CA344931328.

ClinVar aggregate classification (germline): Uncertain significance (1 of 4 stars; one submission).

Conditions:
Muscular dystrophy-dystroglycanopathy (congenital with brain and eye anomalies), type a, 11 (MDDGA11). Also called: Congenital muscular dystrophy-dystroglycanopathy with brain and eye anomalies, type A11; WALKER-WARBURG SYNDROME OR MUSCLE-EYE-BRAIN DISEASE, B3GALNT2-RELATED; Muscular dystrophy-dystroglycanopathy (congenital with brain and eye anomalies, type A, 11. Identifiers: Orphanet 588, Orphanet 899, MedGen C3554638, MONDO:0014071, OMIM 615181.

Allele frequency attached by ClinVar (database versions not stated): gnomAD exomes below 0.00001.
gnomAD v4.1: 1 of 1,611,652 alleles (0.000062%); highest among the groups gnomAD compares: Non-Finnish European, 0.000085%; no homozygotes.

Submission:

Institute of Medical Genetics and Applied Genomics, University Hospital Tübingen
Classification: Uncertain significance for Muscular dystrophy-dystroglycanopathy (congenital with brain and eye anomalies), type a, 11. Last evaluated: 2024-02-28. Review status: criteria provided, single submitter. Criteria: ACMG Guidelines, 2015. Collection method: clinical testing. Allele origin: germline. Inheritance: Autosomal recessive inheritance. Affected: yes.
Comment: second B3GALNT2-Variant in trans (frameshift)